The following is an entry in ClinVar:

NM_001367624.2(ZNF469):c.9768G>A (p.Trp3256Ter)

Gene: ZNF469 (zinc finger protein 469; plus strand). Cytogenetic location: 16q24.2.
Variant type: single nucleotide variant.
Coding change: c.9768G>A on transcript NM_001367624.2 (MANE Select); coding-DNA position 9768, G replaced by A.
Protein change: p.Trp3256Ter; replaces tryptophan 3256 with a stop codon.
Molecular consequence: nonsense.
Genome position (GRCh38, 1-based): chr16:88,437,238, G>A. VCF-style: chr16-88437238-G-A. GRCh37 (hg19) VCF-style: chr16-88503646-G-A.
Other names: short protein forms W3256*.
Identifiers: ClinVar variation 3728047 (VCV003728047.2).
Genomic context (GRCh38, chr16:88,437,238, plus strand): 5'-CAAACACCACAGGGGCAAGCGCTCCGCCGGCAAGGCCGCCGGGAGCCCGGGAGACCCGTG[G>A]GGGCAAGAGGGAGAAGCCAAGAAAGACAGCCCGGGCGAGAGGGCGAAACCCCGGGCACGC-3'

ClinVar aggregate classification (germline): Pathogenic (1 of 4 stars; one submission).

Submission:

Labcorp Genetics (formerly Invitae), Labcorp
Classification: Pathogenic. Last evaluated: 2024-12-24. Review status: criteria provided, single submitter. Criteria: Invitae Variant Classification Sherloc (09022015). Collection method: clinical testing. Allele origin: germline.
Comment: This sequence change creates a premature translational stop signal (p.Trp3228*) in the ZNF469 gene. While this is not anticipated to result in nonsense mediated decay, it is expected to disrupt the last 698 amino acid(s) of the ZNF469 protein. This variant is not present in population databases (gnomAD no frequency). This variant has not been reported in the literature in individuals affected with ZNF469-related conditions. This variant disrupts a region of the ZNF469 protein in which other variant(s) (p.Pro3556Glnfs*136) have been determined to be pathogenic (PMID: 32671420). This suggests that this is a clinically significant region of the protein, and that variants that disrupt it are likely to be disease-causing. For these reasons, this variant has been classified as Pathogenic.

Literature cited by the submitters: PubMed 32671420.